The following is an entry in ClinVar:

NM_003072.5(SMARCA4):c.256G>A (p.Asp86Asn)

Gene: SMARCA4 (SWI/SNF related BAF chromatin remodeling complex subunit ATPase 4; plus strand). Cytogenetic location: 19p13.2.
Variant type: single nucleotide variant.
Coding change: c.256G>A on transcript NM_003072.5 (MANE Select); coding-DNA position 256, G replaced by A.
Protein change: p.Asp86Asn; replaces aspartic acid 86 with asparagine.
Molecular consequence: missense variant. On other transcripts: non-coding transcript variant (1).
Genome position (GRCh38, 1-based): chr19:10,985,306, G>A. VCF-style: chr19-10985306-G-A. GRCh37 (hg19) VCF-style: chr19-11095982-G-A.
Other names: c.256G>A, p.Asp86Asn (NM_001374457.1, NM_001387283.1, NM_001411150.1 and 6 more transcripts); short protein forms D86N.
Identifiers: ClinVar variation 3798930 (VCV003798930.1).

ClinVar aggregate classification (germline): Uncertain significance (1 of 4 stars; one submission).

Conditions:
Hereditary cancer-predisposing syndrome. Also called: Neoplastic Syndromes, Hereditary; Hereditary Cancer Syndrome; Tumor predisposition; Hereditary neoplastic syndrome. Identifiers: Orphanet 140162, MedGen C0027672, MeSH D009386, MONDO:0015356.

Submission:

Ambry Genetics
Classification: Uncertain significance for Hereditary cancer-predisposing syndrome. Last evaluated: 2025-03-10. Review status: criteria provided, single submitter. Criteria: Ambry Variant Classification Scheme 2023. Collection method: clinical testing. Allele origin: germline.
Comment: The p.D86N variant (also known as c.256G>A), located in coding exon 2 of the SMARCA4 gene, results from a G to A substitution at nucleotide position 256. The aspartic acid at codon 86 is replaced by asparagine, an amino acid with highly similar properties. This amino acid position is conserved. In addition, this alteration is predicted to be tolerated by in silico analysis. Based on the available evidence, the clinical significance of this variant remains unclear.